The following is an entry in ClinVar:

NM_020320.5(RARS2):c.1112+2T>A

Gene: RARS2 (arginyl-tRNA synthetase 2, mitochondrial; minus strand). Cytogenetic location: 6q15.
Variant type: single nucleotide variant.
Coding change: c.1112+2T>A on transcript NM_020320.5 (MANE Select); the canonical splice donor site of the intron after coding-DNA position 1112, T replaced by A.
Molecular consequence: splice donor variant.
Genome position (GRCh38, 1-based): chr6:87,520,178, A>T on the plus strand (T>A on the coding strand, the complement: RARS2 is on the minus strand). VCF-style: chr6-87520178-A-T. GRCh37 (hg19) VCF-style: chr6-88229896-A-T.
Other names: c.1112+2T>A (NM_001350505.2); c.587+2T>A (NM_001350509.2, NM_001318785.2, NM_001350506.2 and 4 more transcripts).
Identifiers: ClinVar variation 2125842 (VCV002125842.4), dbSNP rs2483189043, ClinGen allele CA364924299.

ClinVar aggregate classification (germline): Likely pathogenic (1 of 4 stars; one submission).

Submission:

Labcorp Genetics (formerly Invitae), Labcorp
Classification: Likely pathogenic. Last evaluated: 2022-04-13. Review status: criteria provided, single submitter. Criteria: Invitae Variant Classification Sherloc (09022015). Collection method: clinical testing. Allele origin: germline.
Comment: In summary, the currently available evidence indicates that the variant is pathogenic, but additional data are needed to prove that conclusively. Therefore, this variant has been classified as Likely Pathogenic. Algorithms developed to predict the effect of sequence changes on RNA splicing suggest that this variant may disrupt the consensus splice site. This variant has not been reported in the literature in individuals affected with RARS2-related conditions. This variant is not present in population databases (gnomAD no frequency). This sequence change affects a donor splice site in intron 13 of the RARS2 gene. It is expected to disrupt RNA splicing. Variants that disrupt the donor or acceptor splice site typically lead to a loss of protein function (PMID: 16199547), and loss-of-function variants in RARS2 are known to be pathogenic (PMID: 17847012, 22569581, 26083569).

Literature cited by the submitters: PubMed 16199547; PubMed 17847012; PubMed 22569581; PubMed 26083569.